The following is an entry in ClinVar:

NM_004385.5(VCAN):c.4621T>A (p.Ser1541Thr)

Genes: VCAN (versican; plus strand), VCAN-AS1 (VCAN antisense RNA 1; minus strand). Cytogenetic location: 5q14.3.
Variant type: single nucleotide variant.
Coding change: c.4621T>A on transcript NM_004385.5 (MANE Select); coding-DNA position 4621, T replaced by A.
Protein change: p.Ser1541Thr; replaces serine 1541 with threonine.
Molecular consequence: missense variant. On other transcripts: intron variant (2).
Genome position (GRCh38, 1-based): chr5:83,537,624, T>A. VCF-style: chr5-83537624-T-A. GRCh37 (hg19) VCF-style: chr5-82833443-T-A.
Other names: c.1660T>A, p.Ser554Thr (NM_001164097.2); c.4004-7913T>A (NM_001164098.2); c.1043-7913T>A (NM_001126336.3); short protein forms S1541T, S554T.
Identifiers: ClinVar variation 3678865 (VCV003678865.2).

ClinVar aggregate classification (germline): Uncertain significance (1 of 4 stars; one submission).

gnomAD v4.1: 1 of 1,613,714 alleles (0.000062%); highest among the groups gnomAD compares: Non-Finnish European, 0.000085%; no homozygotes.

Submission:

Labcorp Genetics (formerly Invitae), Labcorp
Classification: Uncertain significance. Last evaluated: 2025-03-17. Review status: criteria provided, single submitter. Criteria: Invitae Variant Classification Sherloc (09022015). Collection method: clinical testing. Allele origin: germline.
Comment: This sequence change replaces serine, which is neutral and polar, with threonine, which is neutral and polar, at codon 1541 of the VCAN protein (p.Ser1541Thr). This variant is not present in population databases (gnomAD no frequency). This variant has not been reported in the literature in individuals affected with VCAN-related conditions. An algorithm developed to predict the effect of missense changes on protein structure and function outputs the following: PolyPhen-2: "Benign". The threonine amino acid residue is found in multiple mammalian species, which suggests that this missense change does not adversely affect protein function. In summary, the available evidence is currently insufficient to determine the role of this variant in disease. Therefore, it has been classified as a Variant of Uncertain Significance.